The following is an entry in ClinVar:

ClinVar aggregate classification (germline): Uncertain significance. Review status: criteria provided, multiple submitters, no conflicts (2 of 4 stars). 2 submissions from 2 submitters: Uncertain significance (2). Last evaluated 2024-04-15.

Conditions:
Van Maldergem syndrome 2 (VMLDS2). Identifiers: Orphanet 314679, MedGen C3809875, MONDO:0014242, OMIM 615546.
Hennekam lymphangiectasia-lymphedema syndrome 2 (HKLLS2). Identifiers: Orphanet 2136, MedGen C4014939, MONDO:0014454, OMIM 616006.

Allele frequency attached by ClinVar (database versions not stated): gnomAD exomes below 0.00001.
gnomAD v4.1: 3 of 1,614,150 alleles (0.00019%); highest among the groups gnomAD compares: Non-Finnish European, 0.00025%; no homozygotes.

Submissions (2):

Fulgent Genetics
Classification: Uncertain significance for Van Maldergem syndrome 2; Hennekam lymphangiectasia-lymphedema syndrome 2. Last evaluated: 2024-04-15. Review status: criteria provided, single submitter. Criteria: ACMG Guidelines, 2015. Collection method: clinical testing. Allele origin: germline.

Labcorp Genetics (formerly Invitae), Labcorp
Classification: Uncertain significance. Last evaluated: 2022-04-28. Review status: criteria provided, single submitter. Criteria: Invitae Variant Classification Sherloc (09022015). Collection method: clinical testing. Allele origin: germline.
Comment: This sequence change replaces leucine, which is neutral and non-polar, with arginine, which is basic and polar, at codon 1535 of the FAT4 protein (p.Leu1535Arg). This variant is present in population databases (no rsID available, gnomAD 0.0009%). This variant has not been reported in the literature in individuals affected with FAT4-related conditions. Advanced modeling of protein sequence and biophysical properties (such as structural, functional, and spatial information, amino acid conservation, physicochemical variation, residue mobility, and thermodynamic stability) performed at Invitae indicates that this missense variant is not expected to disrupt FAT4 protein function. In summary, the available evidence is currently insufficient to determine the role of this variant in disease. Therefore, it has been classified as a Variant of Uncertain Significance.

NM_001291303.3(FAT4):c.4604T>G (p.Leu1535Arg)

Gene: FAT4 (FAT atypical cadherin 4; plus strand). Cytogenetic location: 4q28.1.
Variant type: single nucleotide variant.
Coding change: c.4604T>G on transcript NM_001291303.3 (MANE Select); coding-DNA position 4604, T replaced by G.
Protein change: p.Leu1535Arg; replaces leucine 1535 with arginine.
Molecular consequence: missense variant.
Genome position (GRCh38, 1-based): chr4:125,321,015, T>G. VCF-style: chr4-125321015-T-G. GRCh37 (hg19) VCF-style: chr4-126242170-T-G.
Other names: c.4604T>G, p.Leu1535Arg (NM_001291285.3, NM_024582.6); c.4604T>G (NM_024582.5); short protein forms L1535R.
Identifiers: ClinVar variation 1403184 (VCV001403184.7), dbSNP rs1359875187, ClinGen allele CA358127091.